The following is an entry in ClinVar:

ClinVar aggregate classification (germline): Uncertain significance. Review status: criteria provided, multiple submitters, no conflicts (2 of 4 stars). 2 submissions from 2 submitters: Uncertain significance (2). Last evaluated 2023-03-04.

Conditions:
Hypertrophic cardiomyopathy. Also called: HYPERTROPHIC MYOCARDIOPATHY. Identifiers: Orphanet 217569, MedGen C0007194, MeSH D002312, MONDO:0005045, HP:0001639.

Allele frequency attached by ClinVar (database versions not stated): gnomAD exomes below 0.00001.

Submissions (3):

All of Us Research Program, National Institutes of Health
Classification: Uncertain significance for Hypertrophic cardiomyopathy. Last evaluated: 2023-03-04. Review status: criteria provided, single submitter. Criteria: ACMG Guidelines, 2015. Collection method: clinical testing. Allele origin: germline. Inheritance: Autosomal dominant inheritance. Observed: 1 variant allele, 1 heterozygote.
Comment: This study involves interpretation of variants in research participants for the purpose of population health screening. Participant phenotype was not available at the time of variant classification. Additional details can be found in publication PMID: 35346344, PMCID: PMC8962531

Laboratory for Molecular Medicine, Mass General Brigham Personalized Medicine
Classification: Uncertain significance. Last evaluated: 2011-12-02. Review status: criteria provided, single submitter. Criteria: LMM Criteria. Collection method: clinical testing. Allele origin: germline. Observed: 1 variant allele.
Comment: The Tyr 842Cys variant has not yet been detected in isolation in an affected individual and its effect can therefore not be determined without additional studies. Thi s low frequency is consistent with a pathogenic role. Tyrosine (Tyr) at position 842 is highly conserved in evolution, suggesting that a change would not be tol erated. This variant was also predicted to be pathogenic using a computational t ool, which was validated by our laboratory using a set of cardiomyopathy variant s with well-established clinical significance. This tool's pathogenic prediction is estimated to be correct 94% of the time (Jordan 2011). In summary, the avail able evidence is consistent with a pathogenic role but insufficient to establish this with certainty. Additional data is needed to determine the clinical signif icance of this variant.

Dr. Peter K. Rogan Lab, Western University
No classification provided (evidence only). Condition: Colon adenocarcinoma. Review status: no classification provided. Collection method: in vitro. Allele origin: not applicable. Functional consequence: retained intron. Not counted in ClinVar's aggregate classification.

NM_000256.3(MYBPC3):c.2525A>G (p.Tyr842Cys)

Gene: MYBPC3 (myosin binding protein C3; minus strand). Cytogenetic location: 11p11.2.
Variant type: single nucleotide variant.
Coding change: c.2525A>G on transcript NM_000256.3 (MANE Select); coding-DNA position 2525, A replaced by G.
Protein change: p.Tyr842Cys; replaces tyrosine 842 with cysteine.
Molecular consequence: missense variant.
Genome position (GRCh38, 1-based): chr11:47,337,468, T>C on the plus strand (A>G on the coding strand, the complement: MYBPC3 is on the minus strand). VCF-style: chr11-47337468-T-C. GRCh37 (hg19) VCF-style: chr11-47359019-T-C.
Other names: short protein forms Y842C.
Identifiers: ClinVar variation 42633 (VCV000042633.6), dbSNP rs397515971, ClinGen allele CA012476.